The following is an entry in ClinVar:

NM_000489.6(ATRX):c.4081A>G (p.Lys1361Glu)

Gene: ATRX (ATRX chromatin remodeler; minus strand). Cytogenetic location: Xq21.1.
Variant type: single nucleotide variant.
Coding change: c.4081A>G on transcript NM_000489.6 (MANE Select); coding-DNA position 4081, A replaced by G.
Protein change: p.Lys1361Glu; replaces lysine 1361 with glutamic acid.
Molecular consequence: missense variant.
Genome position (GRCh38, 1-based): chrX:77,663,421, T>C on the plus strand (A>G on the coding strand, the complement: ATRX is on the minus strand). VCF-style: chrX-77663421-T-C. GRCh37 (hg19) VCF-style: chrX-76918910-T-C.
Other names: c.3967A>G, p.Lys1323Glu (NM_138270.5); c.4081A>G (NM_000489.3); short protein forms K1361E, K1323E.
Identifiers: ClinVar variation 1401344 (VCV001401344.9), dbSNP rs1886161029, ClinGen allele CA413699485.

ClinVar aggregate classification (germline): Conflicting classifications of pathogenicity. Review status: criteria provided, conflicting classifications (1 of 4 stars). 2 submissions from 2 submitters: Uncertain significance (1); Likely benign (1). Last evaluated 2024-06-17.

Conditions:
Alpha thalassemia-X-linked intellectual disability syndrome (ATRX). Also called: ATR-X syndrome; Alpha thalassemia mental retardation syndrome, nondeletion type, X-linked; XLMR hypotonic face syndrome; X-linked alpha-thalassemia-mental retardation syndrome; ALPHA-THALASSEMIA/IMPAIRED INTELLECTUAL DEVELOPMENT SYNDROME, X-LINKED; ALPHA-THALASSEMIA/MENTAL RETARDATION SYNDROME, X-LINKED. Identifiers: Orphanet 847, MedGen C1845055, MONDO:0010519, OMIM 301040.

Allele frequency attached by ClinVar (database versions not stated): TOPMed 0.00001; gnomAD 0.00001.

Submissions (2):

Labcorp Genetics (formerly Invitae), Labcorp
Classification: Likely benign for Alpha thalassemia-X-linked intellectual disability syndrome. Last evaluated: 2024-06-17. Review status: criteria provided, single submitter. Criteria: Invitae Variant Classification Sherloc (09022015). Collection method: clinical testing. Allele origin: germline.

GeneDx
Classification: Uncertain significance. Last evaluated: 2024-01-18. Review status: criteria provided, single submitter. Criteria: GeneDx Variant Classification Process June 2021. Collection method: clinical testing. Allele origin: germline. Affected: yes.
Comment: Not observed at significant frequency in large population cohorts (gnomAD); In silico analysis supports that this missense variant does not alter protein structure/function; Has not been previously published as pathogenic or benign to our knowledge